The following is an entry in ClinVar:

NM_015559.3(SETBP1):c.2117A>G (p.Glu706Gly)

Gene: SETBP1 (SET binding protein 1; plus strand). Cytogenetic location: 18q12.3.
Variant type: single nucleotide variant.
Coding change: c.2117A>G on transcript NM_015559.3 (MANE Select); coding-DNA position 2117, A replaced by G.
Protein change: p.Glu706Gly; replaces glutamic acid 706 with glycine.
Molecular consequence: missense variant.
Genome position (GRCh38, 1-based): chr18:44,951,457, A>G. VCF-style: chr18-44951457-A-G. GRCh37 (hg19) VCF-style: chr18-42531422-A-G.
Other names: c.2117A>G, p.Glu706Gly (NM_001379141.1, NM_001379142.1); c.2117A>G (NM_015559.2); short protein forms E706G.
Identifiers: ClinVar variation 1048951 (VCV001048951.12), dbSNP rs530739140, ClinGen allele CA8945718.

ClinVar aggregate classification (germline): Conflicting classifications of pathogenicity. Review status: criteria provided, conflicting classifications (1 of 4 stars). 4 submissions from 4 submitters: Uncertain significance (2); Benign (1). 1 of the submissions does not count toward it. Last evaluated 2025-06-29.

Allele frequency attached by ClinVar (database versions not stated): gnomAD 0.00002 and 0.00003; gnomAD exomes 0.00002 and 0.00004; TOPMed 0.00002; ExAC 0.00003; 1000 Genomes Project 30x 0.00016; 1000 Genomes Project 0.00020.
gnomAD v4.1: 63 of 1,614,150 alleles (0.0039%); highest among the groups gnomAD compares: Non-Finnish European, 0.005%; no homozygotes.

Submissions (4):

Labcorp Genetics (formerly Invitae), Labcorp
Classification: Benign. Last evaluated: 2025-06-29. Review status: criteria provided, single submitter. Criteria: Invitae Variant Classification Sherloc (09022015). Collection method: clinical testing. Allele origin: germline.

Revvity Omics, Revvity
Classification: Uncertain significance. Last evaluated: 2019-10-08. Review status: criteria provided, single submitter. Criteria: ACMG Guidelines, 2015. Collection method: clinical testing. Allele origin: germline.

Breakthrough Genomics
Classification: Uncertain significance. Review status: criteria provided, single submitter. Criteria: ACMG Guidelines, 2015. Collection method: not provided. Allele origin: germline. Inheritance: Autosomal dominant inheritance. Affected: yes.

Department of Pathology and Laboratory Medicine, Sinai Health System
Classification: Uncertain significance. Review status: no assertion criteria provided. Collection method: clinical testing. Allele origin: unknown. Affected: yes. Study: The Canadian Open Genetics Repository (COGR). Not counted in ClinVar's aggregate classification.
Comment: The SETBP1 p.Glu706Gly variant was not identified in the literature nor was it identified in ClinVar, Cosmic, and LOVD 3.0 databases, however the variant was identified in dbSNP (ID: rs530739140). The variant was identified in control databases in 6 of 251000 chromosomes at a frequency of 0.000024 (Genome Aggregation Database Feb 27, 2017). The variant was observed in the European (non-Finnish) population in 6 of 113382 chromosomes (freq: 0.000053), while the variant was not observed in the African, Latino, Ashkenazi Jewish, East Asian, European (Finnish), Other or South Asian populations. The variant occurs outside of the splicing consensus sequence and in silico or computational prediction software programs (SpliceSiteFinder, MaxEntScan, NNSPLICE, and GeneSplicer) do not predict a difference in splicing. The p.Glu706 residue is conserved in mammals and computational analyses (PolyPhen-2, SIFT, AlignGVGD, BLOSUM, and MutationTaster) provide inconsistent predictions regarding the impact to the protein; this information is not very predictive of pathogenicity. In summary, based on the above information the clinical significance of this variant cannot be determined with certainty at this time. This variant is classified as a variant of uncertain significance.